The following is an entry in ClinVar:

NM_000064.4(C3):c.1147C>G (p.Pro383Ala)

Gene: C3 (complement C3; minus strand). Cytogenetic location: 19p13.3.
Variant type: single nucleotide variant.
Coding change: c.1147C>G on transcript NM_000064.4 (MANE Select); coding-DNA position 1147, C replaced by G.
Protein change: p.Pro383Ala; replaces proline 383 with alanine.
Molecular consequence: missense variant.
Genome position (GRCh38, 1-based): chr19:6,712,379, G>C on the plus strand (C>G on the coding strand, the complement: C3 is on the minus strand). VCF-style: chr19-6712379-G-C. GRCh37 (hg19) VCF-style: chr19-6712390-G-C.
Other names: short protein forms P383A.
Identifiers: ClinVar variation 1992835 (VCV001992835.5), dbSNP rs1967937026, ClinGen allele CA403641518.

ClinVar aggregate classification (germline): Uncertain significance. Review status: criteria provided, multiple submitters, no conflicts (2 of 4 stars). 2 submissions from 2 submitters: Uncertain significance (2). Last evaluated 2024-06-03.

Conditions:
Age related macular degeneration 9. Identifiers: MedGen C1969651, MONDO:0012659, OMIM 611378.
Atypical hemolytic-uremic syndrome with C3 anomaly. Also called: AHUS, SUSCEPTIBILITY TO, 5. Identifiers: Orphanet 2134, MedGen C2752037, MONDO:0013043, OMIM 612925.
Complement component 3 deficiency. Identifiers: Orphanet 280133, MedGen C3151071, MONDO:0013417, OMIM 613779.

Allele frequency attached by ClinVar (database versions not stated): TOPMed below 0.00001; gnomAD exomes 0.00001.
gnomAD v4.1: 12 of 1,614,168 alleles (0.00074%); highest among the groups gnomAD compares: Non-Finnish European, 0.001%; no homozygotes.

Submissions (2):

Fulgent Genetics
Classification: Uncertain significance for Age related macular degeneration 9; Atypical hemolytic-uremic syndrome with C3 anomaly; Complement component 3 deficiency. Last evaluated: 2024-06-03. Review status: criteria provided, single submitter. Criteria: ACMG Guidelines, 2015. Collection method: clinical testing. Allele origin: germline.

Labcorp Genetics (formerly Invitae), Labcorp
Classification: Uncertain significance. Last evaluated: 2022-08-19. Review status: criteria provided, single submitter. Criteria: Invitae Variant Classification Sherloc (09022015). Collection method: clinical testing. Allele origin: germline.
Comment: This variant has not been reported in the literature in individuals affected with C3-related conditions. In summary, the available evidence is currently insufficient to determine the role of this variant in disease. Therefore, it has been classified as a Variant of Uncertain Significance. Algorithms developed to predict the effect of missense changes on protein structure and function are either unavailable or do not agree on the potential impact of this missense change (SIFT: "Tolerated"; PolyPhen-2: "Probably Damaging"; Align-GVGD: "Class C0"). This variant is not present in population databases (gnomAD no frequency). This sequence change replaces proline, which is neutral and non-polar, with alanine, which is neutral and non-polar, at codon 383 of the C3 protein (p.Pro383Ala).